The following is an entry in ClinVar:

NM_002691.4(POLD1):c.1183G>A (p.Gly395Ser)

Gene: POLD1 (DNA polymerase delta 1, catalytic subunit; plus strand). Cytogenetic location: 19q13.33.
Variant type: single nucleotide variant.
Coding change: c.1183G>A on transcript NM_002691.4 (MANE Select); coding-DNA position 1183, G replaced by A.
Protein change: p.Gly395Ser; replaces glycine 395 with serine.
Molecular consequence: missense variant. On other transcripts: non-coding transcript variant (1).
Genome position (GRCh38, 1-based): chr19:50,403,538, G>A. VCF-style: chr19-50403538-G-A. GRCh37 (hg19) VCF-style: chr19-50906795-G-A.
Other names: c.1183G>A, p.Gly395Ser (NM_001256849.1, NM_001308632.1); short protein forms G395S.
Identifiers: ClinVar variation 484402 (VCV000484402.22), dbSNP rs1555790574, ClinGen allele CA406978520.

ClinVar aggregate classification (germline): Uncertain significance. Review status: criteria provided, multiple submitters, no conflicts (2 of 4 stars). 4 submissions from 4 submitters: Uncertain significance (4). Last evaluated 2025-04-06.

Conditions:
Hereditary cancer-predisposing syndrome. Also called: Tumor predisposition; Hereditary Cancer Syndrome; Hereditary neoplastic syndrome; Neoplastic Syndromes, Hereditary. Identifiers: Orphanet 140162, MedGen C0027672, MeSH D009386, MONDO:0015356.
POLD1-related polyposis and colorectal cancer syndrome (CRCS10). Also called: Colorectal cancer 10; COLORECTAL CANCER, SUSCEPTIBILITY TO, ON CHROMOSOME 19q; Colorectal cancer, susceptibility to, 10. Identifiers: Orphanet 220460, MedGen C2675481, MONDO:0012953, OMIM 612591.

Allele frequency attached by ClinVar (database versions not stated): gnomAD exomes below 0.00001.

Submissions (4):

Labcorp Genetics (formerly Invitae), Labcorp
Classification: Uncertain significance for POLD1-related polyposis and colorectal cancer syndrome. Last evaluated: 2025-04-06. Review status: criteria provided, single submitter. Criteria: Invitae Variant Classification Sherloc (09022015). Collection method: clinical testing. Allele origin: germline.
Comment: This sequence change replaces glycine, which is neutral and non-polar, with serine, which is neutral and polar, at codon 395 of the POLD1 protein (p.Gly395Ser). This variant is not present in population databases (gnomAD no frequency). This variant has not been reported in the literature in individuals affected with POLD1-related conditions. ClinVar contains an entry for this variant (Variation ID: 484402). Invitae Evidence Modeling of protein sequence and biophysical properties (such as structural, functional, and spatial information, amino acid conservation, physicochemical variation, residue mobility, and thermodynamic stability) indicates that this missense variant is expected to disrupt POLD1 protein function with a positive predictive value of 80%. In summary, the available evidence is currently insufficient to determine the role of this variant in disease. Therefore, it has been classified as a Variant of Uncertain Significance.

Center for Genomic Medicine, Rigshospitalet, Copenhagen University Hospital
Classification: Uncertain significance. Last evaluated: 2025-03-04. Review status: criteria provided, single submitter. Criteria: ACMG Guidelines, 2015. Collection method: clinical testing. Allele origin: germline.

Baylor Genetics
Classification: Uncertain significance for POLD1-related polyposis and colorectal cancer syndrome. Last evaluated: 2024-03-19. Review status: criteria provided, single submitter. Criteria: ACMG Guidelines, 2015. Collection method: clinical testing. Allele origin: unknown.

Ambry Genetics
Classification: Uncertain significance for Hereditary cancer-predisposing syndrome. Last evaluated: 2023-06-24. Review status: criteria provided, single submitter. Criteria: Ambry Variant Classification Scheme 2023. Collection method: clinical testing. Allele origin: germline.
Comment: The p.G395S variant (also known as c.1183G>A), located in coding exon 9 of the POLD1 gene, results from a G to A substitution at nucleotide position 1183. The glycine at codon 395 is replaced by serine, an amino acid with similar properties. This amino acid position is highly conserved in available vertebrate species. In addition, this alteration is predicted to be deleterious by in silico analysis. Since supporting evidence is limited at this time, the clinical significance of this alteration remains unclear.